The following is an entry in ClinVar:

ClinVar aggregate classification (germline): Uncertain significance (1 of 4 stars; one submission).

Conditions:
Hereditary cancer-predisposing syndrome. Also called: Tumor predisposition; Hereditary neoplastic syndrome; Neoplastic Syndromes, Hereditary; Hereditary Cancer Syndrome. Identifiers: Orphanet 140162, MedGen C0027672, MeSH D009386, MONDO:0015356.

Submission:

Ambry Genetics
Classification: Uncertain significance for Hereditary cancer-predisposing syndrome. Last evaluated: 2018-03-06. Review status: criteria provided, single submitter. Criteria: Ambry Variant Classification Scheme 2023. Collection method: clinical testing. Allele origin: germline.
Comment: The p.M457I variant (also known as c.1371G>A), located in coding exon 10 of the POLD1 gene, results from a G to A substitution at nucleotide position 1371. The methionine at codon 457 is replaced by isoleucine, an amino acid with highly similar properties. This amino acid position is highly conserved through mammals but not in all available vertebrate species. In addition, this alteration is predicted to be tolerated by in silico analysis. Since supporting evidence is limited at this time, the clinical significance of this alteration remains unclear.

NM_002691.4(POLD1):c.1371G>A (p.Met457Ile)

Gene: POLD1 (DNA polymerase delta 1, catalytic subunit; plus strand). Cytogenetic location: 19q13.33.
Variant type: single nucleotide variant.
Coding change: c.1371G>A on transcript NM_002691.4 (MANE Select); coding-DNA position 1371, G replaced by A.
Protein change: p.Met457Ile; replaces methionine 457 with isoleucine.
Molecular consequence: missense variant. On other transcripts: non-coding transcript variant (1).
Genome position (GRCh38, 1-based): chr19:50,406,310, G>A. VCF-style: chr19-50406310-G-A. GRCh37 (hg19) VCF-style: chr19-50909567-G-A.
Other names: c.1371G>A, p.Met457Ile (NM_001256849.1, NM_001308632.1); short protein forms M457I.
Identifiers: ClinVar variation 819035 (VCV000819035.4), dbSNP rs1457008478, ClinGen allele CA406979968.